The following is an entry in ClinVar:

ClinVar aggregate classification (germline): Uncertain significance (1 of 4 stars; one submission).

Submission:

GeneDx
Classification: Uncertain significance. Last evaluated: 2019-08-09. Review status: criteria provided, single submitter. Criteria: GeneDx Variant Classification Process June 2021. Collection method: clinical testing. Allele origin: germline. Affected: yes.
Comment: Not observed in large population cohorts (Lek et al., 2016); In silico analysis, which includes protein predictors and evolutionary conservation, supports a deleterious effect; Has not been previously published as pathogenic or benign to our knowledge

NM_000540.3(RYR1):c.2768T>C (p.Met923Thr)

Gene: RYR1 (ryanodine receptor 1; plus strand). Cytogenetic location: 19q13.2.
Variant type: single nucleotide variant.
Coding change: c.2768T>C on transcript NM_000540.3 (MANE Select); coding-DNA position 2768, T replaced by C.
Protein change: p.Met923Thr; replaces methionine 923 with threonine.
Molecular consequence: missense variant.
Genome position (GRCh38, 1-based): chr19:38,463,832, T>C. VCF-style: chr19-38463832-T-C. GRCh37 (hg19) VCF-style: chr19-38954472-T-C.
Other names: c.2768T>C, p.Met923Thr (NM_001042723.2); short protein forms M923T.
Identifiers: ClinVar variation 1303596 (VCV001303596.2), dbSNP rs2145435079, ClinGen allele CA405632674.
Genomic context (GRCh38, chr19:38,463,832, plus strand): 5'-ACCCGTGTCTTGTGGACTTCCACAGCCTTCCAGAGCCTGAGAGGAACTACAACCTGCAGA[T>C]GTCTGGGGAGACGCTCAAGTGAGGGCCCAGGGGAGCCGGGGGTTGGGGCTGGCTGCTGGT-3'
Protein context (NP_000531.2, residues 913-933): PEPERNYNLQ[Met923Thr]SGETLKTLLA